The following is an entry in ClinVar:

ClinVar aggregate classification (germline): Uncertain significance (0 of 4 stars; one submission).

Conditions:
COL1A1-related disorder. Also called: COL1A1- related disease; COL1A1-related condition.

gnomAD v4.1: 1 of 1,613,648 alleles (0.000062%); highest among the groups gnomAD compares: Admixed American, 0.0017%; no homozygotes.

Submission:

PreventionGenetics, part of Exact Sciences
Classification: Uncertain significance for COL1A1-related condition. Last evaluated: 2024-05-21. Review status: no assertion criteria provided. Collection method: clinical testing. Allele origin: germline.
Comment: The COL1A1 c.3757A>G variant is predicted to result in the amino acid substitution p.Lys1253Glu. To our knowledge, this variant has not been reported in the literature. This variant is reported in 0.0029% of alleles in individuals of Latino descent in gnomAD. At this time, the clinical significance of this variant is uncertain due to the absence of conclusive functional and genetic evidence.

NM_000088.4(COL1A1):c.3757A>G (p.Lys1253Glu)

Gene: COL1A1 (collagen type I alpha 1 chain; minus strand). Cytogenetic location: 17q21.33.
Variant type: single nucleotide variant.
Coding change: c.3757A>G on transcript NM_000088.4 (MANE Select); coding-DNA position 3757, A replaced by G.
Protein change: p.Lys1253Glu; replaces lysine 1253 with glutamic acid.
Molecular consequence: missense variant.
Genome position (GRCh38, 1-based): chr17:50,186,697, T>C on the plus strand (A>G on the coding strand, the complement: COL1A1 is on the minus strand). VCF-style: chr17-50186697-T-C. GRCh37 (hg19) VCF-style: chr17-48264058-T-C.
Other names: short protein forms K1253E.
Identifiers: ClinVar variation 3349557 (VCV003349557.1).